The following is an entry in ClinVar:

NM_014066.4(COMMD5):c.113G>A (p.Arg38Gln)

Gene: COMMD5 (COMM domain containing 5; minus strand). Cytogenetic location: 8q24.3.
Variant type: single nucleotide variant.
Coding change: c.113G>A on transcript NM_014066.4 (MANE Select); coding-DNA position 113, G replaced by A.
Protein change: p.Arg38Gln; replaces arginine 38 with glutamine.
Molecular consequence: missense variant.
Genome position (GRCh38, 1-based): chr8:144,851,226, C>T on the plus strand (G>A on the coding strand, the complement: COMMD5 is on the minus strand). VCF-style: chr8-144851226-C-T. GRCh37 (hg19) VCF-style: chr8-146076611-C-T.
Other names: c.113G>A, p.Arg38Gln (NM_001081003.3, NM_001081004.3, NM_001287237.2); short protein forms R38Q.
Identifiers: ClinVar variation 2659001 (VCV002659001.24), dbSNP rs140849685, ClinGen allele CA4953721.

ClinVar aggregate classification (germline): Likely benign (1 of 4 stars; one submission).

Allele frequency attached by ClinVar (database versions not stated): 1000 Genomes Project 0.00319; 1000 Genomes Project 30x 0.00359; ESP Exome Variant Server 0.00531; ExAC 0.00379; gnomAD 0.00420; TOPMed 0.00488.
gnomAD v4.1: 9,803 of 1,614,012 alleles (0.61%); highest among the groups gnomAD compares: Non-Finnish European, 0.75%; 31 homozygotes.

Submission:

CeGaT Center for Human Genetics Tuebingen
Classification: Likely benign. Last evaluated: 2022-07-01. Review status: criteria provided, single submitter. Criteria: CeGaT Center For Human Genetics Tuebingen Variant Classification Criteria Version 2. Collection method: clinical testing. Allele origin: germline. Affected: yes. Observed: 1 variant allele.
Comment: COMMD5: BP4, BS2